The following is an entry in ClinVar:

NM_032957.4(RTEL1):c.1346T>C

Genes: RTEL1 (regulator of telomere elongation helicase 1; plus strand), RTEL1-TNFRSF6B (RTEL1-TNFRSF6B readthrough (NMD candidate); plus strand). Cytogenetic location: 20q13.33.
Variant type: single nucleotide variant.
Coding change: c.1346T>C on transcript NM_032957.4; coding-DNA position 1346, T replaced by C.
Molecular consequence: missense variant (on NM_001283009.2). On other transcripts: non-coding transcript variant (1).
Genome position (GRCh38, 1-based): chr20:63,685,798, T>C. VCF-style: chr20-63685798-T-C. GRCh37 (hg19) VCF-style: chr20-62317151-T-C.
Other names: c.1274T>C, p.Ile425Thr (NM_001283009.2, NM_016434.4); c.605T>C, p.Ile202Thr (NM_001283010.1); c.1346T>C, p.Ile449Thr (NM_032957.5); short protein forms I449T, I425T, I202T.
Identifiers: ClinVar variation 242480 (VCV000242480.4), dbSNP rs863224915, ClinGen allele CA351256.

ClinVar aggregate classification (germline): Uncertain significance (1 of 4 stars; one submission).

Conditions:
Dyskeratosis congenita, autosomal recessive 5 (DKCB5). Identifiers: MedGen C3554656, MONDO:0014076, OMIM 615190.
Pulmonary fibrosis and/or bone marrow failure, Telomere-related, 3. Also called: PULMONARY FIBROSIS AND/OR BONE MARROW FAILURE SYNDROME, TELOMERE-RELATED, 3. Identifiers: Orphanet 2032, MedGen C4225346, MONDO:0014613, OMIM 616373.

Submission:

Labcorp Genetics (formerly Invitae), Labcorp
Classification: Uncertain significance for Dyskeratosis congenita, autosomal recessive 5; Pulmonary fibrosis and/or bone marrow failure, Telomere-related, 3. Last evaluated: 2023-03-09. Review status: criteria provided, single submitter. Criteria: Invitae Variant Classification Sherloc (09022015). Collection method: clinical testing. Allele origin: germline.
Comment: This sequence change replaces isoleucine, which is neutral and non-polar, with threonine, which is neutral and polar, at codon 425 of the RTEL1 protein (p.Ile425Thr). This variant is not present in population databases (gnomAD no frequency). This missense change has been observed in individuals with dyskeratosis congenita (PMID: 25326637, 28507545). ClinVar contains an entry for this variant (Variation ID: 242480). An algorithm developed to predict the effect of missense changes on protein structure and function (PolyPhen-2) suggests that this variant is likely to be disruptive. In summary, the available evidence is currently insufficient to determine the role of this variant in disease. Therefore, it has been classified as a Variant of Uncertain Significance.

Literature cited by the submitters: PubMed 25326637; PubMed 28507545.